The following is an entry in ClinVar:

ClinVar aggregate classification (germline): Likely pathogenic (1 of 4 stars; one submission).

Submission:

GeneDx
Classification: Likely pathogenic. Last evaluated: 2025-02-05. Review status: criteria provided, single submitter. Criteria: GeneDx Variant Classification Process June 2021. Collection method: clinical testing. Allele origin: germline. Affected: yes.
Comment: Not observed at significant frequency in large population cohorts (gnomAD); In silico analysis supports that this missense variant has a deleterious effect on protein structure/function; This variant is associated with the following publications: (PMID: 35332613, 34898052, 25168514, 26138142, 26503042, 29527379)

NM_002047.4(GARS1):c.815T>G (p.Leu272Arg)

Gene: GARS1 (glycyl-tRNA synthetase 1; plus strand). Cytogenetic location: 7p14.3.
Variant type: single nucleotide variant.
Coding change: c.815T>G on transcript NM_002047.4 (MANE Select); coding-DNA position 815, T replaced by G.
Protein change: p.Leu272Arg; replaces leucine 272 with arginine.
Molecular consequence: missense variant.
Genome position (GRCh38, 1-based): chr7:30,609,664, T>G. VCF-style: chr7-30609664-T-G. GRCh37 (hg19) VCF-style: chr7-30649280-T-G.
Other names: c.653T>G, p.Leu218Arg (NM_001316772.1); short protein forms L218R, L272R.
Identifiers: ClinVar variation 4075475 (VCV004075475.1).